The following is an entry in ClinVar:

ClinVar aggregate classification (germline): Uncertain significance (1 of 4 stars; one submission).

gnomAD v4.1: 7 of 1,613,430 alleles (0.00043%); highest among the groups gnomAD compares: South Asian, 0.0077%; no homozygotes.

Submission:

Labcorp Genetics (formerly Invitae), Labcorp
Classification: Uncertain significance. Last evaluated: 2025-01-15. Review status: criteria provided, single submitter. Criteria: Invitae Variant Classification Sherloc (09022015). Collection method: clinical testing. Allele origin: germline.
Comment: This sequence change replaces isoleucine, which is neutral and non-polar, with phenylalanine, which is neutral and non-polar, at codon 289 of the PAX5 protein (p.Ile289Phe). This variant is present in population databases (no rsID available, gnomAD 0.003%). This variant has not been reported in the literature in individuals affected with PAX5-related conditions. Invitae Evidence Modeling of protein sequence and biophysical properties (such as structural, functional, and spatial information, amino acid conservation, physicochemical variation, residue mobility, and thermodynamic stability) indicates that this missense variant is not expected to disrupt PAX5 protein function with a negative predictive value of 80%. In summary, the available evidence is currently insufficient to determine the role of this variant in disease. Therefore, it has been classified as a Variant of Uncertain Significance.

NM_016734.3(PAX5):c.865A>T (p.Ile289Phe)

Gene: PAX5 (paired box 5; minus strand). Cytogenetic location: 9p13.2.
Variant type: single nucleotide variant.
Coding change: c.865A>T on transcript NM_016734.3 (MANE Select); coding-DNA position 865, A replaced by T.
Protein change: p.Ile289Phe; replaces isoleucine 289 with phenylalanine.
Molecular consequence: missense variant. On other transcripts: intron variant (2).
Genome position (GRCh38, 1-based): chr9:36,923,400, T>A on the plus strand (A>T on the coding strand, the complement: PAX5 is on the minus strand). VCF-style: chr9-36923400-T-A. GRCh37 (hg19) VCF-style: chr9-36923397-T-A.
Other names: c.780+43149A>T (NM_001280550.2, NM_001280549.2); c.865A>T, p.Ile289Phe (NM_001280547.2, NM_001280548.2, NM_001280552.2); c.541A>T, p.Ile181Phe (NM_001280551.2, NM_001280556.2); c.736A>T, p.Ile246Phe (NM_001280553.2, NM_001280554.2); c.667A>T, p.Ile223Phe (NM_001280555.2); short protein forms I181F, I289F, I246F, I223F.
Identifiers: ClinVar variation 3699561 (VCV003699561.2).